The following is an entry in ClinVar:

NM_000685.5(AGTR1):c.-41T>G

Gene: AGTR1 (angiotensin II receptor type 1; plus strand). Cytogenetic location: 3q24.
Variant type: single nucleotide variant.
Coding change: c.-41T>G on transcript NM_000685.5 (MANE Select); 41 bases upstream of the start codon, T replaced by G.
Molecular consequence: 5 prime UTR variant.
Genome position (GRCh38, 1-based): chr3:148,740,995, T>G. VCF-style: chr3-148740995-T-G. GRCh37 (hg19) VCF-style: chr3-148458782-T-G.
Other names: c.-41T>G (NM_001382736.1, NM_001382737.1, NM_004835.5 and 3 more transcripts); c.65T>G (NM_031850.3).
Identifiers: ClinVar variation 2021791 (VCV002021791.5), dbSNP rs1349409162, ClinGen allele CA354884349.

ClinVar aggregate classification (germline): Uncertain significance. Review status: criteria provided, multiple submitters, no conflicts (2 of 4 stars). 2 submissions from 2 submitters: Uncertain significance (2). Last evaluated 2024-06-04.

Conditions:
Essential hypertension, genetic (EHT). Identifiers: MedGen CN305331, MONDO:0007781, OMIM 145500.
Renal tubular dysgenesis of genetic origin. Also called: PRIMITIVE RENAL TUBULE SYNDROME. Identifiers: Orphanet 97369, MedGen C5681536, MONDO:0009970, OMIM 267430.

Allele frequency attached by ClinVar (database versions not stated): TOPMed 0.00001.
gnomAD v4.1: 1 of 1,611,620 alleles (0.000062%); highest among the groups gnomAD compares: African/African-American, 0.0013%; no homozygotes.

Submissions (2):

Fulgent Genetics
Classification: Uncertain significance for Essential hypertension, genetic; Renal tubular dysgenesis of genetic origin. Last evaluated: 2024-06-04. Review status: criteria provided, single submitter. Criteria: ACMG Guidelines, 2015. Collection method: clinical testing. Allele origin: germline.

Labcorp Genetics (formerly Invitae), Labcorp
Classification: Uncertain significance. Last evaluated: 2022-08-05. Review status: criteria provided, single submitter. Criteria: Invitae Variant Classification Sherloc (09022015). Collection method: clinical testing. Allele origin: germline.
Comment: In summary, the available evidence is currently insufficient to determine the role of this variant in disease. Therefore, it has been classified as a Variant of Uncertain Significance. Algorithms developed to predict the effect of missense changes on protein structure and function are either unavailable or do not agree on the potential impact of this missense change (SIFT: "Deleterious"; PolyPhen-2: "Not Available"; Align-GVGD: "Class C0"). This variant has not been reported in the literature in individuals affected with AGTR1-related conditions. This variant is not present in population databases (gnomAD no frequency). This sequence change replaces phenylalanine, which is neutral and non-polar, with cysteine, which is neutral and slightly polar, at codon 22 of the AGTR1 protein (p.Phe22Cys).